The following is an entry in ClinVar:

ClinVar aggregate classification (germline): Uncertain significance. Review status: criteria provided, multiple submitters, no conflicts (2 of 4 stars). 6 submissions from 4 submitters: Uncertain significance (6). Last evaluated 2024-07-05.

Conditions:
Nephronophthisis. Also called: Juvenile Nephronophthisis. Identifiers: Orphanet 655, MedGen C0687120, MONDO:0019005, HP:0000090.
Renal-hepatic-pancreatic dysplasia 1 (RHPD1). Identifiers: MedGen C3715199, MONDO:0008833, OMIM 208540.
Nephronophthisis 3 (NPHP3). Also called: Adolescent nephronophthisis. Identifiers: Orphanet 655, MedGen C1858392, MONDO:0011456, OMIM 604387.
NPHP3-related Meckel-like syndrome. Also called: GOLDSTON SYNDROME; Meckel syndrome type 7. Identifiers: Orphanet 3032, MedGen C2673885, MONDO:0009966, OMIM 267010.
Inborn genetic diseases. Identifiers: MedGen C0950123, MeSH D030342.

Allele frequency attached by ClinVar (database versions not stated): TOPMed below 0.00001; gnomAD 0.00001; gnomAD exomes 0.00004; ExAC 0.00006.
gnomAD v4.1: 49 of 1,561,512 alleles (0.0031%); highest among the groups gnomAD compares: East Asian, 0.11%; no homozygotes.

Submissions (6):

Ambry Genetics
Classification: Uncertain significance for Inborn genetic diseases. Last evaluated: 2024-07-05. Review status: criteria provided, single submitter. Criteria: Ambry Variant Classification Scheme 2023. Collection method: clinical testing. Allele origin: germline.

Labcorp Genetics (formerly Invitae), Labcorp
Classification: Uncertain significance for Nephronophthisis. Last evaluated: 2023-05-23. Review status: criteria provided, single submitter. Criteria: Invitae Variant Classification Sherloc (09022015). Collection method: clinical testing. Allele origin: germline.
Comment: This sequence change replaces lysine, which is basic and polar, with threonine, which is neutral and polar, at codon 167 of the NPHP3 protein (p.Lys167Thr). This variant is present in population databases (rs771832737, gnomAD 0.06%). This variant has not been reported in the literature in individuals affected with NPHP3-related conditions. ClinVar contains an entry for this variant (Variation ID: 901991). Advanced modeling of protein sequence and biophysical properties (such as structural, functional, and spatial information, amino acid conservation, physicochemical variation, residue mobility, and thermodynamic stability) performed at Invitae indicates that this missense variant is not expected to disrupt NPHP3 protein function. In summary, the available evidence is currently insufficient to determine the role of this variant in disease. Therefore, it has been classified as a Variant of Uncertain Significance.

Illumina Laboratory Services, Illumina
Classification: Uncertain significance for NPHP3-related Meckel-like syndrome. Last evaluated: 2018-01-13. Review status: criteria provided, single submitter. Criteria: ICSL Variant Classification Criteria 13 December 2019. Collection method: clinical testing. Allele origin: germline.

Illumina Laboratory Services, Illumina
Classification: Uncertain significance for Nephronophthisis 3. Last evaluated: 2018-01-13. Review status: criteria provided, single submitter. Criteria: ICSL Variant Classification Criteria 13 December 2019. Collection method: clinical testing. Allele origin: germline.

Illumina Laboratory Services, Illumina
Classification: Uncertain significance for Renal-hepatic-pancreatic dysplasia 1. Last evaluated: 2018-01-13. Review status: criteria provided, single submitter. Criteria: ICSL Variant Classification Criteria 13 December 2019. Collection method: clinical testing. Allele origin: germline.

Juno Genomics, Hangzhou Juno Genomics, Inc
Classification: Uncertain significance for NPHP3-related Meckel-like syndrome; Nephronophthisis 3; Renal-hepatic-pancreatic dysplasia 1. Review status: criteria provided, single submitter. Criteria: ACMG Guidelines, 2015. Collection method: clinical testing. Allele origin: germline.
Comment: Absent from controls (or at extremely low frequency if recessive) in Genome Aggregation Database.;Multiple lines of computational evidence support a deleterious effect on the gene or gene product.

NM_153240.5(NPHP3):c.500A>C (p.Lys167Thr)

Genes: NPHP3 (nephrocystin 3; minus strand), NPHP3-ACAD11 (NPHP3-ACAD11 readthrough (NMD candidate); minus strand). Cytogenetic location: 3q22.1.
Variant type: single nucleotide variant.
Coding change: c.500A>C on transcript NM_153240.5 (MANE Select); coding-DNA position 500, A replaced by C.
Protein change: p.Lys167Thr; replaces lysine 167 with threonine.
Molecular consequence: missense variant. On other transcripts: non-coding transcript variant (1).
Genome position (GRCh38, 1-based): chr3:132,719,724, T>G on the plus strand (A>C on the coding strand, the complement: NPHP3 is on the minus strand). VCF-style: chr3-132719724-T-G. GRCh37 (hg19) VCF-style: chr3-132438568-T-G.
Other names: short protein forms K167T.
Identifiers: ClinVar variation 901991 (VCV000901991.11), dbSNP rs771832737, ClinGen allele CA2622590.
Genomic context (GRCh38, chr3:132,719,724, plus strand): 5'-TATTCTATGTTGCTTTGGGGGTAAAAATGTAAGGAATTTACCTTGAATTGCCTTTTAACT[T>G]TATCTCTGTCATGTTCAAATGTTGCTGCTCTCTCCATTGCTTGGTATTTCGCTTCTAAAG-3'
Protein context (NP_694972.3, residues 157-177): RAATFEHDRD[Lys167Thr]VKRQFKIFRE